The following is an entry in ClinVar:

NM_001378418.1(TCF20):c.4540_4542del (p.Lys1514del)

Gene: TCF20 (transcription factor 20; minus strand). Cytogenetic location: 22q13.2.
Variant type: Deletion.
Coding change: c.4540_4542del on transcript NM_001378418.1 (MANE Select); coding-DNA positions 4540 to 4542, 3 bases deleted (AAG; older notation c.4540_4542delAAG).
Protein change: p.Lys1514del; deletes lysine 1514.
Genome position (GRCh38, 1-based): chr22:42,210,764-42,210,766, CTT deleted on the plus strand (AAG on the coding strand, the reverse complement: TCF20 is on the minus strand); deleting any 3 consecutive bases within chr22:42,210,764-42,210,768 gives the same sequence; the c. name uses the placement nearest the transcript's 3' end. VCF-style (leftmost placement, unchanged base first): chr22-42210763-CCTT-C. GRCh37 (hg19) VCF-style: chr22-42606769-CCTT-C.
Other names: c.4540_4542del, p.Lys1514del (NM_005650.4, NM_181492.3); short protein forms K1514del.
Identifiers: ClinVar variation 3665899 (VCV003665899.2).
Genomic context (GRCh38, chr22:42,210,763, plus strand): 5'-GGAAATATCCCTTTGGAGGGAAACCCTCTTGCTTCGGTGAAATCGTCACTGTATCGTTCT[CCTT>C]CTCTTCAGCCTTGGGGTTTGCCTCAGGGGCCAATATGCCCACTGGAGGTACATTCTTTGA-3'

ClinVar aggregate classification (germline): Uncertain significance (1 of 4 stars; one submission).

Submission:

Labcorp Genetics (formerly Invitae), Labcorp
Classification: Uncertain significance. Last evaluated: 2024-09-14. Review status: criteria provided, single submitter. Criteria: Invitae Variant Classification Sherloc (09022015). Collection method: clinical testing. Allele origin: germline.
Comment: This variant, c.4540_4542del, results in the deletion of 1 amino acid(s) of the TCF20 protein (p.Lys1514del), but otherwise preserves the integrity of the reading frame. This variant is present in population databases (rs772880878, gnomAD 0.004%). This variant has not been reported in the literature in individuals affected with TCF20-related conditions. Experimental studies and prediction algorithms are not available or were not evaluated, and the functional significance of this variant is currently unknown. In summary, the available evidence is currently insufficient to determine the role of this variant in disease. Therefore, it has been classified as a Variant of Uncertain Significance.